The following is an entry in ClinVar:

ClinVar aggregate classification (germline): Likely benign (1 of 4 stars; one submission).

Submission:

CeGaT Center for Human Genetics Tuebingen
Classification: Likely benign. Last evaluated: 2025-12-01. Review status: criteria provided, single submitter. Criteria: CeGaT Center For Human Genetics Tuebingen Variant Classification Criteria Version 2. Collection method: clinical testing. Allele origin: germline. Affected: yes. Observed: 1 variant allele.
Comment: SIN3A: PM2:Supporting, BP4, BP7

NM_001145358.2(SIN3A):c.669A>G (p.Pro223=)

Gene: SIN3A (SIN3 transcription regulator family member A; minus strand). Cytogenetic location: 15q24.2.
Variant type: single nucleotide variant.
Coding change: c.669A>G on transcript NM_001145358.2 (MANE Select); coding-DNA position 669, A replaced by G.
Protein change: p.Pro223=; no amino-acid change (proline 223 retained).
Molecular consequence: synonymous variant.
Genome position (GRCh38, 1-based): chr15:75,412,850, T>C on the plus strand (A>G on the coding strand, the complement: SIN3A is on the minus strand). VCF-style: chr15-75412850-T-C. GRCh37 (hg19) VCF-style: chr15-75705191-T-C.
Other names: c.669A>G, p.Pro223= (NM_001145357.2, NM_001437462.1, NM_001437463.1 and 1 more transcripts).
Identifiers: ClinVar variation 4534270 (VCV004534270.6).